The following is an entry in ClinVar:

NM_002049.4(GATA1):c.865C>T (p.His289Tyr)

Gene: GATA1 (GATA binding protein 1; plus strand). Cytogenetic location: Xp11.23.
Variant type: single nucleotide variant.
Coding change: c.865C>T on transcript NM_002049.4 (MANE Select); coding-DNA position 865, C replaced by T.
Protein change: p.His289Tyr; replaces histidine 289 with tyrosine.
Molecular consequence: missense variant.
Genome position (GRCh38, 1-based): chrX:48,793,292, C>T. VCF-style: chrX-48793292-C-T. GRCh37 (hg19) VCF-style: chrX-48651699-C-T.
Other names: c.865C>T (NM_002049.3); short protein forms H289Y.
Identifiers: ClinVar variation 1703852 (VCV001703852.3), dbSNP rs2519345787, ClinGen allele CA412871436.
Genomic context (GRCh38, chrX:48,793,292, plus strand): 5'-TGGCGGAGAAATGCCAGTGGGGATCCCGTGTGCAATGCCTGCGGCCTCTACTACAAGCTA[C>T]ACCAGGTGACGCCCTGCCCCTTGGAGCCACCCCTCTGCTTTCCCTGTCTTCATGCCACAC-3'
Protein context (NP_002040.1, residues 279-299): CNACGLYYKL[His289Tyr]QVNRPLTMRK

ClinVar aggregate classification (germline): Pathogenic/Likely pathogenic. Review status: criteria provided, multiple submitters, no conflicts (2 of 4 stars). 2 submissions from 2 submitters: Pathogenic (1); Likely pathogenic (1). Last evaluated 2023-01-22.

Conditions:
Hemolytic anemia due to erythrocyte adenosine deaminase overproduction (CNSHA9). Also called: Adenosine deaminase, elevated, hemolytic anemia due to; ANEMIA, CONGENITAL, NONSPHEROCYTIC HEMOLYTIC, 9; ERYTHROCYTE ADA, ELEVATED, HEMOLYTIC ANEMIA DUE TO. Identifiers: Orphanet 99138, MedGen C1863235, MONDO:0020458, OMIM 301083.
Thrombocytopenia, X-linked, with or without dyserythropoietic anemia (XLTDA). Identifiers: Orphanet 67044, MedGen C3550789, MONDO:0010308, OMIM 300367.
X-linked dyserythropoetic anemia with abnormal platelets and neutropenia. Also called: ANEMIA, X-LINKED, WITH OR WITHOUT NEUTROPENIA AND/OR PLATELET ABNORMALITIES. Identifiers: Orphanet 363727, MedGen C3550856, MONDO:0010444, OMIM 300835.
Beta-thalassemia-X-linked thrombocytopenia syndrome. Also called: THROMBOCYTOPENIA WITH BETA-THALASSEMIA, X-LINKED. Identifiers: Orphanet 231393, MedGen C1839161, MONDO:0010745, OMIM 314050.

Submissions (2):

New York Genome Center
Classification: Likely pathogenic for Thrombocytopenia, X-linked, with or without dyserythropoietic anemia; X-linked dyserythropoetic anemia with abnormal platelets and neutropenia; Beta-thalassemia-X-linked thrombocytopenia syndrome; Hemolytic anemia due to erythrocyte adenosine deaminase overproduction. Last evaluated: 2023-01-22. Review status: criteria provided, single submitter. Criteria: NYGC Assertion Criteria 2020. Collection method: clinical testing. Allele origin: germline. Affected: yes. Observed: 1 variant allele, 1 heterozygote.
Comment: The c.865C>T variant is absent from population databases (gnomAD v2.1.1 and v3.1.2, TOPMed Freeze 8), suggesting it is not a common benign variant in the populations represented in those databases. The c.865C>T variant in GATA1 is located in exon 5 of this 6-exon gene, and is predicted to replace an evolutionarily conserved histidine amino acid with tyrosine at position 289 (p.(His289Tyr)) in the second zinc finger region (aa 258-291; PFAM=PF00320) of the encoded protein. In silico predictions are in favor of damaging effect for the p.(His289Tyr) variant [CADD v1.6 = 25.9, REVEL = 0.94]; however, there are no functional studies to support or refute these predictions. Based on available evidence this heterozygous c.865C>T p.(His289Tyr) variant identified in GATA1 is classified as Likely pathogenic.

ISTH-SSC Genomics in Thrombosis and Hemostasis, KU Leuven, Center for Molecular and Vascular Biology
Classification: Pathogenic for Thrombocytopenia, X-linked, with or without dyserythropoietic anemia. Review status: criteria provided, single submitter. Criteria: ACMG Guidelines, 2015. Collection method: clinical testing. Allele origin: germline. Affected: yes. Observed: 1 hemizygote.
Comment: Submitted to GoldVariant by Jose María Bastida and José Rivera; Grupo Español de Alteraciones Plaquetarias Congénitas (GEAPC)

Literature cited by the submitters: PubMed 36291092 (cited by New York Genome Center).